The following is an entry in ClinVar:

ClinVar aggregate classification (germline): Uncertain significance (1 of 4 stars; one submission).

Conditions:
Cardiovascular phenotype. Identifiers: MedGen CN230736.

Submission:

Ambry Genetics
Classification: Uncertain significance for Cardiovascular phenotype. Last evaluated: 2025-12-16. Review status: criteria provided, single submitter. Criteria: Ambry Variant Classification Scheme 2023. Collection method: clinical testing. Allele origin: germline.
Comment: The p.Q3619E variant (also known as c.10855C>G), located in coding exon 76 of the DMD gene, results from a C to G substitution at nucleotide position 10855. The glutamine at codon 3619 is replaced by glutamic acid, an amino acid with highly similar properties. This amino acid position is conserved. In addition, this alteration is predicted to be tolerated by in silico analysis. Based on the available evidence, the clinical significance of this variant remains unclear.

NM_004006.3(DMD):c.10855C>G (p.Gln3619Glu)

Gene: DMD (dystrophin; minus strand). Cytogenetic location: Xp21.2.
Variant type: single nucleotide variant.
Coding change: c.10855C>G on transcript NM_004006.3 (MANE Select); coding-DNA position 10855, C replaced by G.
Protein change: p.Gln3619Glu; replaces glutamine 3619 with glutamic acid.
Molecular consequence: missense variant.
Genome position (GRCh38, 1-based): chrX:31,146,357, G>C on the plus strand (C>G on the coding strand, the complement: DMD is on the minus strand). VCF-style: chrX-31146357-G-C. GRCh37 (hg19) VCF-style: chrX-31164474-G-C.
Other names: c.1612C>G, p.Gln538Glu (NM_004018.3, NM_004017.3); c.3145C>G, p.Gln1049Glu (NM_004020.4, NM_004023.3); c.3475C>G, p.Gln1159Glu (NM_004021.3, NM_004013.3); c.3436C>G, p.Gln1146Glu (NM_004022.3); c.10831C>G, p.Gln3611Glu (NM_000109.4); c.10843C>G, p.Gln3615Glu (NM_004009.3); c.10486C>G, p.Gln3496Glu (NM_004010.3); c.6832C>G, p.Gln2278Glu (NM_004011.4); and 3 more; short protein forms Q1159E, Q2278E, Q551E, Q1049E, Q3611E, Q890E, Q1146E, Q2275E.
Identifiers: ClinVar variation 4842490 (VCV004842490.1).